The following is an entry in ClinVar:

NM_001031716.5(NABP1):c.405C>A (p.Ser135=)

Gene: NABP1 (nucleic acid binding protein 1; plus strand). Cytogenetic location: 2q32.3.
Variant type: single nucleotide variant.
Coding change: c.405C>A on transcript NM_001031716.5 (MANE Select); coding-DNA position 405, C replaced by A.
Protein change: p.Ser135=; no amino-acid change (serine 135 retained).
Molecular consequence: synonymous variant. On other transcripts: non-coding transcript variant (2).
Genome position (GRCh38, 1-based): chr2:191,684,256, C>A. VCF-style: chr2-191684256-C-A. GRCh37 (hg19) VCF-style: chr2-192548982-C-A.
Other names: c.165C>A, p.Ser55= (NM_001254736.3).
Identifiers: ClinVar variation 4872559 (VCV004872559.2).

ClinVar aggregate classification (germline): Likely benign (1 of 4 stars; one submission).

gnomAD v4.1: 2 of 1,539,082 alleles (0.00013%); highest among the groups gnomAD compares: South Asian, 0.0025%; no homozygotes.

Submission:

CeGaT Center for Human Genetics Tuebingen
Classification: Likely benign. Last evaluated: 2026-05-01. Review status: criteria provided, single submitter. Criteria: CeGaT Center For Human Genetics Tuebingen Variant Classification Criteria Version 2. Collection method: clinical testing. Allele origin: germline. Affected: yes. Observed: 1 variant allele.
Comment: NABP1: BP4, BP7